The following is an entry in ClinVar:

ClinVar aggregate classification (germline): Likely pathogenic (1 of 4 stars; one submission).

Conditions:
AHDC1-related intellectual disability - obstructive sleep apnea - mild dysmorphism syndrome. Also called: Xia-Gibbs syndrome. Identifiers: Orphanet 412069, MedGen C4014419, MONDO:0014358, OMIM 615829.

Submission:

Broad Center for Mendelian Genomics, Broad Institute of MIT and Harvard
Classification: Likely pathogenic for AHDC1-related intellectual disability - obstructive sleep apnea - mild dysmorphism syndrome. Last evaluated: 2023-01-25. Review status: criteria provided, single submitter. Criteria: ACMG Guidelines, 2015. Collection method: curation. Allele origin: germline. Inheritance: Autosomal dominant inheritance.
Comment: Trio exome analysis showed this variant to be de novo. The p.Leu173PhefsTer87 variant in AHDC1 has not been previously reported in individuals with Xia-Gibbs syndrome. This variant was absent from large population studies. This variant is predicted to cause a frameshift, which alters the protein‚Äôs amino acid sequence beginning at position 173 and leads to a premature termination codon 87 amino acids downstream. Heterozygous loss of function of the AHDC1 gene is strongly associated to Xia-Gibbs syndrome. In summary, although additional studies are required to fully establish its clinical significance, this variant is likely pathogenic for autosomal dominant Xia-Gibbs syndrome. ACMG/AMP Criteria applied: PVS1_Strong, PM2_Supporting, PS2_Supporting (Richards 2015).

NM_001371928.1(AHDC1):c.519_520delinsC (p.Leu173fs)

Gene: AHDC1 (AT-hook DNA binding motif containing 1; minus strand). Cytogenetic location: 1p36.11.
Variant type: Indel.
Coding change: c.519_520delinsC on transcript NM_001371928.1 (MANE Select); coding-DNA positions 519 to 520, GG replaced by C.
Protein change: p.Leu173fs; shifts the reading frame from leucine 173.
Molecular consequence: frameshift variant.
Genome position (GRCh38, 1-based): chr1:27,551,596-27,551,597, CC replaced by G on the plus strand (GG replaced by C on the coding strand, the reverse complement: AHDC1 is on the minus strand). VCF-style: chr1-27551596-CC-G. GRCh37 (hg19) VCF-style: chr1-27878107-CC-G.
Other names: NM_001371928.1:c.519_520delinsC; c.519_520delinsC, p.Leu173fs (NM_001029882.3); short protein forms L173fs.
Identifiers: ClinVar variation 2412702 (VCV002412702.1), dbSNP rs2522085209, ClinGen allele CA2573332367.